The following is an entry in ClinVar:

ClinVar aggregate classification (germline): Pathogenic (1 of 4 stars; one submission).

Conditions:
Marfan syndrome (MFS). Also called: MARFAN SYNDROME, TYPE I; FBN1-Related Marfan Syndrome; Marfan syndrome type 1; Marfan's syndrome; Marfan syndrome, classic. Identifiers: Orphanet 284963, Orphanet 558, MedGen C0024796, MONDO:0007947, OMIM 154700.
Familial thoracic aortic aneurysm and aortic dissection (TAAD). Also called: Thoracic aortic aneurysms and dissections. Identifiers: Orphanet 91387, MedGen C4707243, MONDO:0019625.

Submission:

Labcorp Genetics (formerly Invitae), Labcorp
Classification: Pathogenic for Marfan syndrome; Familial thoracic aortic aneurysm and aortic dissection. Last evaluated: 2018-06-01. Review status: criteria provided, single submitter. Criteria: Invitae Variant Classification Sherloc (09022015). Collection method: clinical testing. Allele origin: germline.
Comment: For these reasons, this variant has been classified as Pathogenic. This variant affects a cysteine residue located within a hybrid motif domain of the FBN1 protein. Cysteine residues in these domains are believed to be involved in intramolecular disulfide bridges and have been shown to be important for FBN1 protein structure (PMID: 16905551, 19349279). In addition, missense substitutions within the hybrid motif domains affecting cysteine residues are significantly overrepresented among patients with Marfan syndrome (PMID: 16571647, 17701892). Variants that disrupt the p.Cys876 amino acid residue in FBN1 have been observed in affected individuals (PMID: 26787436, 28855619). This suggests that it is a clinically significant residue, and that other variants that disrupt this residue are likely to be causative of disease. ClinVar contains an entry for this variant (Variation ID: 457173). This variant is not present in population databases (ExAC no frequency). This sequence change replaces cysteine with arginine at codon 876 of the FBN1 protein (p.Cys876Arg). The cysteine residue is highly conserved and there is a large physicochemical difference between cysteine and arginine.

Literature cited by the submitters: PubMed 16905551; PubMed 19349279; PubMed 16571647; PubMed 17701892; PubMed 26787436; PubMed 28855619.

NM_000138.5(FBN1):c.2626T>C (p.Cys876Arg)

Gene: FBN1 (fibrillin 1; minus strand). Cytogenetic location: 15q21.1.
Variant type: single nucleotide variant.
Coding change: c.2626T>C on transcript NM_000138.5 (MANE Select); coding-DNA position 2626, T replaced by C.
Protein change: p.Cys876Arg; replaces cysteine 876 with arginine.
Molecular consequence: missense variant.
Genome position (GRCh38, 1-based): chr15:48,495,174, A>G on the plus strand (T>C on the coding strand, the complement: FBN1 is on the minus strand). VCF-style: chr15-48495174-A-G. GRCh37 (hg19) VCF-style: chr15-48787371-A-G.
Other names: short protein forms C876R.
Identifiers: ClinVar variation 457173 (VCV000457173.8), dbSNP rs1555399158, ClinGen allele CA392332322.